The following is an entry in ClinVar:

NM_000458.4(HNF1B):c.254A>G (p.Asp85Gly)

Gene: HNF1B (HNF1 homeobox B; minus strand). Cytogenetic location: 17q12.
Variant type: single nucleotide variant.
Coding change: c.254A>G on transcript NM_000458.4 (MANE Select); coding-DNA position 254, A replaced by G.
Protein change: p.Asp85Gly; replaces aspartic acid 85 with glycine.
Molecular consequence: missense variant.
Genome position (GRCh38, 1-based): chr17:37,744,631, T>C on the plus strand (A>G on the coding strand, the complement: HNF1B is on the minus strand). VCF-style: chr17-37744631-T-C. GRCh37 (hg19) VCF-style: chr17-36104622-T-C.
Other names: c.254A>G, p.Asp85Gly (NM_001165923.4, NM_001304286.2); short protein forms D85G.
Identifiers: ClinVar variation 594776 (VCV000594776.13), dbSNP rs984116301, ClinGen allele CA290293133.

ClinVar aggregate classification (germline): Uncertain significance. Review status: criteria provided, multiple submitters, no conflicts (2 of 4 stars). 5 submissions from 5 submitters: Uncertain significance (4). 1 of the submissions does not count toward it. Last evaluated 2025-06-12.

Conditions:
Maturity-onset diabetes of the young (MODY). Also called: Maturity onset diabetes mellitus in young. Identifiers: Orphanet 552, MedGen C0342276, MONDO:0018911, HP:0004904.

Allele frequency attached by ClinVar (database versions not stated): TOPMed 0.00002.

Submissions (5):

Labcorp Genetics (formerly Invitae), Labcorp
Classification: Uncertain significance. Last evaluated: 2025-06-12. Review status: criteria provided, single submitter. Criteria: Invitae Variant Classification Sherloc (09022015). Collection method: clinical testing. Allele origin: germline.
Comment: This sequence change replaces aspartic acid, which is acidic and polar, with glycine, which is neutral and non-polar, at codon 85 of the HNF1B protein (p.Asp85Gly). This variant is not present in population databases (gnomAD no frequency). This variant has not been reported in the literature in individuals affected with HNF1B-related conditions. ClinVar contains an entry for this variant (Variation ID: 594776). Invitae Evidence Modeling of protein sequence and biophysical properties (such as structural, functional, and spatial information, amino acid conservation, physicochemical variation, residue mobility, and thermodynamic stability) indicates that this missense variant is not expected to disrupt HNF1B protein function with a negative predictive value of 80%. In summary, the available evidence is currently insufficient to determine the role of this variant in disease. Therefore, it has been classified as a Variant of Uncertain Significance.

Dasa
Classification: Uncertain significance. Last evaluated: 2025-03-08. Review status: criteria provided, single submitter. Criteria: DASA Assertion Criteria. Collection method: clinical testing. Allele origin: germline.
Comment: NM_000458.4(HNF1B):c.254A>G (p.Asp85Gly) is a missense variant that results in the substitution of aspartic acid with glycine. This variant is absent from population databases. Computational prediction algorithms are consistent with a deleterious effect. The currently available literature and clinical evidence are not sufficient to establish a definitive association between this variant and the reported condition. Therefore, this variant is classified as a variant of uncertain significance.

Mendelics
Classification: Uncertain significance. Last evaluated: 2022-05-04. Review status: criteria provided, single submitter. Criteria: Mendelics Assertion Criteria 2019. Collection method: clinical testing. Allele origin: germline.

Eurofins Ntd Llc (ga)
Classification: Uncertain significance. Last evaluated: 2017-10-30. Review status: criteria provided, single submitter. Criteria: EGL Classification Definitions 2015. Collection method: clinical testing. Allele origin: germline. Observed: 1 variant allele, 1 heterozygote.

Clinical Genomics, Uppaluri K&H Personalized Medicine Clinic
Classification: Likely risk allele for Maturity-onset diabetes of the young. Review status: flagged submission. Criteria: K & H Uppaluri Personalized Medicine Clinic Variant Classification & Assertion Criteria_Updated V.1. Collection method: research. Allele origin: unknown. Inheritance: Autosomal dominant inheritance. Not counted in ClinVar's aggregate classification.
Comment: HNF1B gene mutations are associated with early onset diabetes and pancreatic atrophy. It is also associated with multiple renal manifestations including renal cysts, Tubulointerstitial disease, glomerulocystic disease, renal hypoplasia, hypomagnesemia. However no sufficient evidence is found to ascertain the role of this particular variant rs984116301, yet.
ClinVar note: Notes: Lab calls the variant likely risk allele but says "no sufficient evidence is found to ascertain the role of this particular variant".
ClinVar note: Reason: Outlier claim with insufficient supporting evidence

Literature cited by the submitters: PubMed 24897035 (cited by Clinical Genomics, Uppaluri K&H Personalized Medicine Clinic); PubMed 25536396 (cited by Clinical Genomics, Uppaluri K&H Personalized Medicine Clinic); PubMed 27615128 (cited by Clinical Genomics, Uppaluri K&H Personalized Medicine Clinic); PubMed 28215227 (cited by Clinical Genomics, Uppaluri K&H Personalized Medicine Clinic); PubMed 33434175 (cited by Clinical Genomics, Uppaluri K&H Personalized Medicine Clinic); PubMed 25741167 (cited by Clinical Genomics, Uppaluri K&H Personalized Medicine Clinic); PubMed 26340261 (cited by Clinical Genomics, Uppaluri K&H Personalized Medicine Clinic); PubMed 19639018 (cited by Clinical Genomics, Uppaluri K&H Personalized Medicine Clinic).